The following is an entry in ClinVar:

NM_019844.4(SLCO1B3):c.1442_1445del (p.Tyr481fs)

Genes: SLCO1B3 (solute carrier organic anion transporter family member 1B3; plus strand), SLCO1B3-SLCO1B7 (SLCO1B3-SLCO1B7 readthrough; plus strand). Cytogenetic location: 12p12.2.
Variant type: Deletion.
Coding change: c.1442_1445del on transcript NM_019844.4 (MANE Select); coding-DNA positions 1442 to 1445, 4 bases deleted (ACCT; older notation c.1442_1445delACCT).
Protein change: p.Tyr481fs; shifts the reading frame from tyrosine 481.
Molecular consequence: frameshift variant.
Genome position (GRCh38, 1-based): chr12:20,880,965-20,880,968, ACCT deleted; deleting any 4 consecutive bases within chr12:20,880,964-20,880,968 gives the same sequence; the c. name uses the placement nearest the transcript's 3' end. VCF-style (leftmost placement, unchanged base first): chr12-20880963-TTACC-T. GRCh37 (hg19) VCF-style: chr12-21033897-TTACC-T.
Other names: c.1442_1445del, p.Tyr481fs (NM_001371097.1); c.1358_1361del, p.Tyr453fs (NM_001349920.2); short protein forms Y481fs, Y453fs.
Identifiers: ClinVar variation 4979781 (VCV004979781.1).

ClinVar aggregate classification (germline): Likely pathogenic (1 of 4 stars; one submission).

Conditions:
SLCO1B3-related disorder. Also called: SLCO1B3-related condition.

Submission:

PreventionGenetics, part of Exact Sciences
Classification: Likely pathogenic for SLCO1B3-related condition. Last evaluated: 2025-09-23. Review status: criteria provided, single submitter. Criteria: ACMG Guidelines, 2015. Collection method: clinical testing. Allele origin: germline.
Comment: The SLCO1B3 c.1442_1445delACCT variant is predicted to result in a frameshift and premature protein termination (p.Tyr481Cysfs*5). To our knowledge, this variant has not been reported in the literature. This variant is reported in 0.00088% of alleles in individuals of European (Non-Finnish) descent in gnomAD. Frameshift variants in SLCO1B3 are expected to be pathogenic. This variant is interpreted as likely pathogenic.